The following is an entry in ClinVar:

ClinVar aggregate classification (germline): Uncertain significance (1 of 4 stars; one submission).

Submission:

Women's Health and Genetics/Laboratory Corporation of America, LabCorp
Classification: Uncertain significance. Last evaluated: 2023-01-06. Review status: criteria provided, single submitter. Criteria: LabCorp Variant Classification Summary - May 2015. Collection method: clinical testing. Allele origin: germline.
Comment: Variant summary: The variant identified by MLPA or other technology involves the duplication of exons 7-10 in the ACSF3 gene. A presumed nomenclature of c.(1126+1_1127-1)_(1613+1_1614-1)dup has been designated for the purposes of this classification. It has been assumed that this is a tandem duplication in direct orientation (Richardson_GIM_2018, Newman_AJHG_2015). Although exact breakpoints of this duplication are not known, it may result in a frameshift in the ACSF3 gene. The variant was absent in 21694 control chromosomes. The available data on variant occurrences in the general population are insufficient to allow any conclusion about variant significance. To our knowledge, no occurrence of c.(1126+1_1127-1)_(1613+1_1614-1)dup in individuals affected with Combined Malonic And Methylmalonic Aciduria and no experimental evidence demonstrating its impact on protein function have been reported. No clinical diagnostic laboratories have submitted clinical-significance assessments for this variant to ClinVar after 2014. Based on the evidence outlined above, the variant was classified as uncertain significance.

NC_000016.9:g.(89180896_89187208)_(89212458_89220497)dup

Gene: ACSF3 (acyl-CoA synthetase family member 3; plus strand). Cytogenetic location: 16q24.3.
Variant type: Duplication.
Identifiers: ClinVar variation 2429318 (VCV002429318.3).